The following is an entry in ClinVar:

ClinVar aggregate classification (germline): Uncertain significance (1 of 4 stars; one submission).

Conditions:
Acute myeloid leukemia (AML). Also called: Leukemia, acute myeloid, somatic; Leukemia, acute myelogenous, somatic; Acute myeloid leukemia, adult; AML adult; Acute non-lymphocytic leukemia; Acute granulocytic leukemia. Identifiers: Orphanet 519, MedGen C0023467, MeSH D015470, MONDO:0018874, OMIM 601626, HP:0004808. Disease mechanism: Constitutively activated FLT3.

Allele frequency attached by ClinVar (database versions not stated): gnomAD exomes below 0.00001.
gnomAD v4.1: 1 of 1,381,256 alleles (0.000072%); highest among the groups gnomAD compares: Non-Finnish European, 0.000095%; no homozygotes.

Submission:

Labcorp Genetics (formerly Invitae), Labcorp
Classification: Uncertain significance for Acute myeloid leukemia. Last evaluated: 2021-01-18. Review status: criteria provided, single submitter. Criteria: Invitae Variant Classification Sherloc (09022015). Collection method: clinical testing. Allele origin: germline.
Comment: This sequence change replaces valine with leucine at codon 95 of the CEBPA protein (p.Val95Leu). The valine residue is weakly conserved and there is a small physicochemical difference between valine and leucine. The frequency data for this variant in the population databases is considered unreliable, as metrics indicate insufficient coverage at this position in the ExAC database. This variant has not been reported in the literature in individuals with CEBPA-related conditions. Algorithms developed to predict the effect of missense changes on protein structure and function (SIFT, PolyPhen-2, Align-GVGD) all suggest that this variant is likely to be tolerated, but these predictions have not been confirmed by published functional studies and their clinical significance is uncertain. In summary, the available evidence is currently insufficient to determine the role of this variant in disease. Therefore, it has been classified as a Variant of Uncertain Significance.

NM_004364.5(CEBPA):c.283G>T (p.Val95Leu)

Gene: CEBPA (CCAAT enhancer binding protein alpha; minus strand). Cytogenetic location: 19q13.11.
Variant type: single nucleotide variant.
Coding change: c.283G>T on transcript NM_004364.5 (MANE Select); coding-DNA position 283, G replaced by T.
Protein change: p.Val95Leu; replaces valine 95 with leucine.
Molecular consequence: missense variant. On other transcripts: 5 prime UTR variant (1).
Genome position (GRCh38, 1-based): chr19:33,302,132, C>A on the plus strand (G>T on the coding strand, the complement: CEBPA is on the minus strand). VCF-style: chr19-33302132-C-A. GRCh37 (hg19) VCF-style: chr19-33793038-C-A.
Other names: c.-75G>T (NM_001285829.2); c.388G>T, p.Val130Leu (NM_001287424.2); c.241G>T, p.Val81Leu (NM_001287435.2); short protein forms V81L, V130L, V95L.
Identifiers: ClinVar variation 1394718 (VCV001394718.8), dbSNP rs1356845856, ClinGen allele CA405275273.
Genomic context (GRCh38, chr19:33,302,132, plus strand): 5'-GGCCCGCGGGCGCGCCCGGGTAGTCAAAGTCGCCGCCGCCGCCGCCGCCCGTGGGGCCCA[C>A]GGCCGCCTTGGCCTTCTCCTGCTGCCGGCTGTGCTGGAACAGGTCGGCCAGGAACTCGTC-3'
Protein context (NP_004355.2, residues 85-105): SRQQEKAKAA[Val95Leu]GPTGGGGGGD